The following is an entry in ClinVar:

NM_001943.5(DSG2):c.*565A>G

Genes: DSG2-AS1 (DSG2 antisense RNA 1; minus strand), DSG2 (desmoglein 2; plus strand). Cytogenetic location: 18q12.1.
Variant type: single nucleotide variant.
Coding change: c.*565A>G on transcript NM_001943.5 (MANE Select); 565 bases downstream of the stop codon, A replaced by G.
Molecular consequence: 3 prime UTR variant.
Genome position (GRCh38, 1-based): chr18:31,547,308, A>G. VCF-style: chr18-31547308-A-G. GRCh37 (hg19) VCF-style: chr18-29127271-A-G.
Other names: c.*565A>G (LRG_397t1).
Identifiers: ClinVar variation 326504 (VCV000326504.6), dbSNP rs11542765, ClinGen allele CA10641377.

ClinVar aggregate classification (germline): Benign. Review status: criteria provided, multiple submitters, no conflicts (2 of 4 stars). 2 submissions from 2 submitters: Benign (2). Last evaluated 2018-01-12.

Conditions:
Arrhythmogenic right ventricular dysplasia 10. Also called: Arrhythmogenic Right Ventricular Dysplasia/Cardiomyopathy10; ARRHYTHMOGENIC RIGHT VENTRICULAR DYSPLASIA, FAMILIAL, 10; Arrhythmogenic right ventricular dysplasia/cardiomyopathy, type 10. Identifiers: MedGen C1857777, MONDO:0012434, OMIM 610193.

Allele frequency attached by ClinVar (database versions not stated): TOPMed 0.21119; gnomAD 0.21489 and 0.22076; 1000 Genomes Project 30x 0.23813; gnomAD exomes 0.25628; 1000 Genomes Project 0.24661.
gnomAD v4.1: 45,956 of 200,666 alleles (23%); highest among the groups gnomAD compares: East Asian, 51%; 6,442 homozygotes.

Submissions (2):

Illumina Laboratory Services, Illumina
Classification: Benign for Arrhythmogenic right ventricular dysplasia 10. Last evaluated: 2018-01-12. Review status: criteria provided, single submitter. Criteria: ICSL Variant Classification Criteria 13 December 2019. Collection method: clinical testing. Allele origin: germline.
Comment: This variant was observed in the ICSL laboratory as part of a predisposition screen in an ostensibly healthy population. It had not been previously curated by ICSL or reported in the Human Gene Mutation Database (HGMD: prior to June 1st, 2018), and was therefore a candidate for classification through an automated scoring system. Utilizing variant allele frequency, disease prevalence and penetrance estimates, and inheritance mode, an automated score was calculated to assess if this variant is too frequent to cause the disease. Based on the score and internal cut-off values, a variant classified as benign is not then subjected to further curation. The score for this variant resulted in a classification of benign for this disease.

Breakthrough Genomics
Classification: Benign. Review status: criteria provided, single submitter. Criteria: ACMG Guidelines, 2015. Collection method: not provided. Allele origin: germline. Inheritance: Autosomal recessive inheritance. Affected: yes.